The following is an entry in ClinVar:

ClinVar aggregate classification (germline): Likely benign. Review status: criteria provided, multiple submitters, no conflicts (2 of 4 stars). 3 submissions from 3 submitters: Likely benign (2). 1 of the submissions does not count toward it. Last evaluated 2025-08-15.

Conditions:
NR2F1-related disorder. Also called: NR2F1-related condition.
Inborn genetic diseases. Identifiers: MedGen C0950123, MeSH D030342.

Submissions (3):

Labcorp Genetics (formerly Invitae), Labcorp
Classification: Likely benign. Last evaluated: 2025-08-15. Review status: criteria provided, single submitter. Criteria: Invitae Variant Classification Sherloc (09022015). Collection method: clinical testing. Allele origin: germline.

Ambry Genetics
Classification: Likely benign for Inborn genetic diseases. Last evaluated: 2022-08-30. Review status: criteria provided, single submitter. Criteria: Ambry Variant Classification Scheme 2023. Collection method: clinical testing. Allele origin: germline.

PreventionGenetics, part of Exact Sciences
Classification: Likely benign for NR2F1-related condition. Last evaluated: 2023-08-31. Review status: no assertion criteria provided. Collection method: clinical testing. Allele origin: germline. Not counted in ClinVar's aggregate classification.
Comment: This variant is classified as likely benign based on ACMG/AMP sequence variant interpretation guidelines (Richards et al. 2015 PMID: 25741868, with internal and published modifications).

NM_005654.6(NR2F1):c.92GCG[5] (p.Gly36del)

Genes: NR2F1 (nuclear receptor subfamily 2 group F member 1; plus strand), NR2F1-AS1 (NR2F1 regulatory antisense RNA 1; minus strand). Cytogenetic location: 5q15.
Variant type: Microsatellite.
Coding change: c.92GCG[5] on transcript NM_005654.6 (MANE Select); five copies in a row of the 3-base unit GCG starting at c.92; the reference has six copies in a row; one copy, 3 bases deleted.
Protein change: p.Gly36del; deletes glycine 36.
Molecular consequence: inframe deletion.
Genome position (GRCh38, 1-based): chr5:93,585,130-93,585,132, GCG deleted; deleting any 3 consecutive bases within chr5:93,585,115-93,585,132 gives the same sequence; the position shown is the placement nearest the transcript's 3' end. VCF-style (leftmost placement, unchanged base first): chr5-93585114-CGCG-C. GRCh37 (hg19) VCF-style: chr5-92920820-CGCG-C.
Other names: c.107_109delGCG (NM_005654.5); short protein forms G36del.
Identifiers: ClinVar variation 2347320 (VCV002347320.7), dbSNP rs954495672, ClinGen allele CA445722015.